The following is an entry in ClinVar:

ClinVar aggregate classification (germline): Uncertain significance. Review status: criteria provided, multiple submitters, no conflicts (2 of 4 stars). 3 submissions from 3 submitters: Uncertain significance (3). Last evaluated 2022-09-25.

Conditions:
FASTING PLASMA GLUCOSE LEVEL QUANTITATIVE TRAIT LOCUS 5 (FGQTL5). Identifiers: MedGen C3150714, OMIM 613463.

Allele frequency attached by ClinVar (database versions not stated): gnomAD 0.00004 and 0.00005; ExAC 0.00007; gnomAD exomes 0.00007; TOPMed 0.00007; ESP Exome Variant Server 0.00015.
gnomAD v4.1: 104 of 1,613,550 alleles (0.0064%); highest among the groups gnomAD compares: Middle Eastern, 0.052%; no homozygotes.

Submissions (3):

Labcorp Genetics (formerly Invitae), Labcorp
Classification: Uncertain significance. Last evaluated: 2022-09-25. Review status: criteria provided, single submitter. Criteria: Invitae Variant Classification Sherloc (09022015). Collection method: clinical testing. Allele origin: germline.
Comment: This sequence change creates a premature translational stop signal (p.Trp517*) in the GCKR gene. It is expected to result in an absent or disrupted protein product. However, the current clinical and genetic evidence is not sufficient to establish whether loss-of-function variants in GCKR cause disease. This variant is present in population databases (rs371460190, gnomAD 0.02%). This premature translational stop signal has been observed in individual(s) with hypertriglyceridemia (PMID: 32041611). ClinVar contains an entry for this variant (Variation ID: 1677404). In summary, the available evidence is currently insufficient to determine the role of this variant in disease. Therefore, it has been classified as a Variant of Uncertain Significance.

Fulgent Genetics
Classification: Uncertain significance for FASTING PLASMA GLUCOSE LEVEL QUANTITATIVE TRAIT LOCUS 5. Last evaluated: 2021-11-16. Review status: criteria provided, single submitter. Criteria: ACMG Guidelines, 2015. Collection method: clinical testing. Allele origin: unknown.

AiLife Diagnostics
Classification: Uncertain significance. Last evaluated: 2021-07-28. Review status: criteria provided, single submitter. Criteria: ACMG Guidelines, 2015. Collection method: clinical testing. Allele origin: germline. Affected: yes. Observed: 1 variant allele.

Literature cited by the submitters: PubMed 32041611 (cited by Labcorp Genetics (formerly Invitae), Labcorp and AiLife Diagnostics).

NM_001486.4(GCKR):c.1550G>A (p.Trp517Ter)

Gene: GCKR (glucokinase regulator; plus strand). Cytogenetic location: 2p23.3.
Variant type: single nucleotide variant.
Coding change: c.1550G>A on transcript NM_001486.4 (MANE Select); coding-DNA position 1550, G replaced by A.
Protein change: p.Trp517Ter; replaces tryptophan 517 with a stop codon.
Molecular consequence: nonsense.
Genome position (GRCh38, 1-based): chr2:27,518,915, G>A. VCF-style: chr2-27518915-G-A. GRCh37 (hg19) VCF-style: chr2-27741782-G-A.
Other names: short protein forms W517*.
Identifiers: ClinVar variation 1677404 (VCV001677404.7), dbSNP rs371460190, ClinGen allele CA1582012.
Genomic context (GRCh38, chr2:27,518,915, plus strand): 5'-TTGGTAAGATCCTACAAAACCACATGTTGGACCTTCGGATTAGCAACTCCAAGCTCTTCT[G>A]GCGGGCGCTGGCCATGCTGCAGGTAGGGATATGATGGGGCAGGGTTGGGTGGGACCTGGC-3'